The following is an entry in ClinVar:

NM_006019.4(TCIRG1):c.148C>T (p.Arg50Cys)

Gene: TCIRG1 (T cell immune regulator 1, ATPase H+ transporting V0 subunit a3; plus strand). Cytogenetic location: 11q13.2.
Variant type: single nucleotide variant.
Coding change: c.148C>T on transcript NM_006019.4 (MANE Select); coding-DNA position 148, C replaced by T.
Protein change: p.Arg50Cys; replaces arginine 50 with cysteine.
Molecular consequence: missense variant. On other transcripts: 5 prime UTR variant (1).
Genome position (GRCh38, 1-based): chr11:68,041,783, C>T. VCF-style: chr11-68041783-C-T. GRCh37 (hg19) VCF-style: chr11-67809250-C-T.
Other names: c.-1102C>T (NM_001351059.2); short protein forms R50C.
Identifiers: ClinVar variation 551224 (VCV000551224.4), dbSNP rs370319355, ClinGen allele CA6146669.

ClinVar aggregate classification (germline): Uncertain significance. Review status: criteria provided, multiple submitters, no conflicts (2 of 4 stars). 3 submissions from 3 submitters: Uncertain significance (2). 1 of the submissions does not count toward it. Last evaluated 2023-08-21.

Conditions:
Autosomal recessive osteopetrosis 1. Also called: TCIRG1-Related Autosomal Recessive Osteopetrosis; TCIRG1-Related Osteopetrosis; ALBERS-SCHONBERG DISEASE, AUTOSOMAL RECESSIVE. Identifiers: Orphanet 667, MedGen C1850127, MONDO:0009815, OMIM 259700.
TCIRG1-related disorder. Also called: TCIRG1-related condition.

Allele frequency attached by ClinVar (database versions not stated): gnomAD exomes 0.00003; ExAC 0.00004; ESP Exome Variant Server 0.00008; TOPMed 0.00011; gnomAD 0.00013 and 0.00015; 1000 Genomes Project 0.00020; 1000 Genomes Project 30x 0.00031.
gnomAD v4.1: 62 of 1,610,778 alleles (0.0038%); highest among the groups gnomAD compares: African/African-American, 0.045%; no homozygotes.

Submissions (3):

PreventionGenetics, part of Exact Sciences
Classification: Uncertain significance for TCIRG1-related condition. Last evaluated: 2023-08-21. Review status: criteria provided, single submitter. Criteria: ACMG Guidelines, 2015. Collection method: clinical testing. Allele origin: germline.
Comment: The TCIRG1 c.148C>T variant is predicted to result in the amino acid substitution p.Arg50Cys. This variant has been reported in an individual with low neutrophil counts (Table 3, referred to as rs370319355, Rosenthal et al. 2016. PubMed ID: 27229898). This variant is reported in 0.041% of alleles in individuals of African descent in gnomAD. At this time, the clinical significance of this variant is uncertain due to the absence of conclusive functional and genetic evidence.

Labcorp Genetics (formerly Invitae), Labcorp
Classification: Uncertain significance. Last evaluated: 2022-10-26. Review status: criteria provided, single submitter. Criteria: Invitae Variant Classification Sherloc (09022015). Collection method: clinical testing. Allele origin: germline.
Comment: This sequence change replaces arginine, which is basic and polar, with cysteine, which is neutral and slightly polar, at codon 50 of the TCIRG1 protein (p.Arg50Cys). This variant is present in population databases (rs370319355, gnomAD 0.04%). This missense change has been observed in individual(s) with reduced neutrophil count (PMID: 27229898). This variant is also known as rs370319355. ClinVar contains an entry for this variant (Variation ID: 551224). Advanced modeling of protein sequence and biophysical properties (such as structural, functional, and spatial information, amino acid conservation, physicochemical variation, residue mobility, and thermodynamic stability) performed at Invitae indicates that this missense variant is expected to disrupt TCIRG1 protein function. In summary, the available evidence is currently insufficient to determine the role of this variant in disease. Therefore, it has been classified as a Variant of Uncertain Significance.

Counsyl
Classification: Uncertain significance for Autosomal recessive osteopetrosis 1. Last evaluated: 2017-04-04. Review status: no assertion criteria provided. Collection method: clinical testing. Allele origin: unknown. Not counted in ClinVar's aggregate classification.

Literature cited by the submitters: PubMed 27229898 (cited by Labcorp Genetics (formerly Invitae), Labcorp and Counsyl).